The following is an entry in ClinVar:

ClinVar aggregate classification (germline): Uncertain significance (1 of 4 stars; one submission).

Conditions:
Mucopolysaccharidosis, MPS-IV-B (MPS4B). Also called: Mucopolysaccharidosis type IV B; Mucopolysaccharidosis Type IVB; Mucopolysaccharidosis type IVB (Morquio); MPS IVB; MORQUIO SYNDROME B; Mucopolysaccharidosis Type IVB (Morquio B Disease). Identifiers: Orphanet 309310, Orphanet 582, MedGen C0086652, MONDO:0009660, OMIM 253010.
GM1 gangliosidosis. Identifiers: Orphanet 354, MedGen C0085131, MONDO:0018149.

Allele frequency attached by ClinVar (database versions not stated): gnomAD exomes 0.00001.
gnomAD v4.1: 11 of 1,614,080 alleles (0.00068%); highest among the groups gnomAD compares: Non-Finnish European, 0.00085%; no homozygotes.

Submission:

Labcorp Genetics (formerly Invitae), Labcorp
Classification: Uncertain significance for Mucopolysaccharidosis, MPS-IV-B; GM1 gangliosidosis. Last evaluated: 2025-08-21. Review status: criteria provided, single submitter. Criteria: Invitae Variant Classification Sherloc (09022015). Collection method: clinical testing. Allele origin: germline.
Comment: This sequence change replaces alanine, which is neutral and non-polar, with valine, which is neutral and non-polar, at codon 194 of the GLB1 protein (p.Ala194Val). This variant is not present in population databases (gnomAD no frequency). This variant has not been reported in the literature in individuals affected with GLB1-related conditions. ClinVar contains an entry for this variant (Variation ID: 2142483). Invitae Evidence Modeling of protein sequence and biophysical properties (such as structural, functional, and spatial information, amino acid conservation, physicochemical variation, residue mobility, and thermodynamic stability) indicates that this missense variant is expected to disrupt GLB1 protein function with a positive predictive value of 95%. In summary, the available evidence is currently insufficient to determine the role of this variant in disease. Therefore, it has been classified as a Variant of Uncertain Significance.

NM_000404.4(GLB1):c.581C>T (p.Ala194Val)

Gene: GLB1 (galactosidase beta 1; minus strand). Cytogenetic location: 3p22.3.
Variant type: single nucleotide variant.
Coding change: c.581C>T on transcript NM_000404.4 (MANE Select); coding-DNA position 581, C replaced by T.
Protein change: p.Ala194Val; replaces alanine 194 with valine.
Molecular consequence: missense variant. On other transcripts: intron variant (1).
Genome position (GRCh38, 1-based): chr3:33,058,241, G>A on the plus strand (C>T on the coding strand, the complement: GLB1 is on the minus strand). VCF-style: chr3-33058241-G-A. GRCh37 (hg19) VCF-style: chr3-33099733-G-A.
Other names: c.491C>T, p.Ala164Val (NM_001079811.3); c.725C>T, p.Ala242Val (NM_001317040.2); c.581C>T, p.Ala194Val (NM_001393580.1); c.341-4692C>T (NM_001135602.3); short protein forms A164V, A194V, A242V.
Identifiers: ClinVar variation 2142483 (VCV002142483.2), dbSNP rs2471398170, ClinGen allele CA352004758.
Genomic context (GRCh38, chr3:33,058,241, plus strand): 5'-TCATCCCCCAGATGGTGGCGAAAGCGCTTCTGCAGGAAGCGCAGGTAGTCAAAATCACAG[G>A]CAAAGTAGCTGCCATATTCATTTTCAACCTGTGAGTGAAAAAAGAGCAGGGAAAAATGAG-3'
Protein context (NP_000395.3, residues 184-204): QVENEYGSYF[Ala194Val]CDFDYLRFLQ